The following is an entry in ClinVar:

NM_017514.5(PLXNA3):c.3674C>T (p.Ala1225Val)

Gene: PLXNA3 (plexin A3; plus strand). Cytogenetic location: Xq28.
Variant type: single nucleotide variant.
Coding change: c.3674C>T on transcript NM_017514.5 (MANE Select); coding-DNA position 3674, C replaced by T.
Protein change: p.Ala1225Val; replaces alanine 1225 with valine.
Molecular consequence: missense variant.
Genome position (GRCh38, 1-based): chrX:154,467,855, C>T. VCF-style: chrX-154467855-C-T. GRCh37 (hg19) VCF-style: chrX-153696198-C-T.
Other names: short protein forms A1225V.
Identifiers: ClinVar variation 3307917 (VCV003307917.2).

ClinVar aggregate classification (germline): Uncertain significance. Review status: criteria provided, single submitter (1 of 4 stars). 2 submissions from 2 submitters: Uncertain significance (1). 1 of the submissions does not count toward it. Last evaluated 2024-04-12.

Conditions:
PLXNA3-related disorder. Also called: PLXNA3-related condition.

gnomAD v4.1: 12 of 1,205,157 alleles (0.001%); highest among the groups gnomAD compares: South Asian, 0.0053%; no homozygotes.

Submissions (2):

Ambry Genetics
Classification: Uncertain significance. Last evaluated: 2024-04-12. Review status: criteria provided, single submitter. Criteria: Ambry Variant Classification Scheme 2023. Collection method: clinical testing. Allele origin: germline.

PreventionGenetics, part of Exact Sciences
Classification: Uncertain significance for PLXNA3-related condition. Last evaluated: 2023-12-04. Review status: no assertion criteria provided. Collection method: clinical testing. Allele origin: germline. Not counted in ClinVar's aggregate classification.
Comment: The PLXNA3 c.3674C>T variant is predicted to result in the amino acid substitution p.Ala1225Val. To our knowledge, this variant has not been reported in the literature. This variant is reported in 0.0053% of alleles in individuals of South Asian descent in gnomAD. At this time, the clinical significance of this variant is uncertain due to the absence of conclusive functional and genetic evidence.